The following is an entry in ClinVar:

NM_001330311.2(DVL1):c.1402C>G (p.Arg468Gly)

Gene: DVL1 (dishevelled segment polarity protein 1; minus strand). Cytogenetic location: 1p36.33.
Variant type: single nucleotide variant.
Coding change: c.1402C>G on transcript NM_001330311.2 (MANE Select); coding-DNA position 1402, C replaced by G.
Protein change: p.Arg468Gly; replaces arginine 468 with glycine.
Molecular consequence: missense variant.
Genome position (GRCh38, 1-based): chr1:1,338,374, G>C on the plus strand (C>G on the coding strand, the complement: DVL1 is on the minus strand). VCF-style: chr1-1338374-G-C. GRCh37 (hg19) VCF-style: chr1-1273754-G-C.
Other names: c.1327C>G, p.Arg443Gly (NM_004421.3); short protein forms R443G, R468G.
Identifiers: ClinVar variation 1915000 (VCV001915000.5), dbSNP rs754108481, ClinGen allele CA520100.

ClinVar aggregate classification (germline): Uncertain significance (1 of 4 stars; one submission).

Allele frequency attached by ClinVar (database versions not stated): ExAC 0.00004.
gnomAD v4.1: 14 of 1,612,416 alleles (0.00087%); highest among the groups gnomAD compares: African/African-American, 0.0013%; 1 homozygote.

Submission:

Labcorp Genetics (formerly Invitae), Labcorp
Classification: Uncertain significance. Last evaluated: 2024-10-07. Review status: criteria provided, single submitter. Criteria: Invitae Variant Classification Sherloc (09022015). Collection method: clinical testing. Allele origin: germline.
Comment: This sequence change replaces arginine, which is basic and polar, with glycine, which is neutral and non-polar, at codon 443 of the DVL1 protein (p.Arg443Gly). This variant is present in population databases (rs754108481, gnomAD 0.005%), including at least one homozygous and/or hemizygous individual. This variant has not been reported in the literature in individuals affected with DVL1-related conditions. ClinVar contains an entry for this variant (Variation ID: 1915000). Invitae Evidence Modeling of protein sequence and biophysical properties (such as structural, functional, and spatial information, amino acid conservation, physicochemical variation, residue mobility, and thermodynamic stability) indicates that this missense variant is expected to disrupt DVL1 protein function with a positive predictive value of 80%. In summary, the available evidence is currently insufficient to determine the role of this variant in disease. Therefore, it has been classified as a Variant of Uncertain Significance.